The following is an entry in ClinVar:

NM_002524.5(NRAS):c.546G>A (p.Met182Ile)

Gene: NRAS (NRAS proto-oncogene, GTPase; minus strand). Cytogenetic location: 1p13.2.
Variant type: single nucleotide variant.
Coding change: c.546G>A on transcript NM_002524.5 (MANE Select); coding-DNA position 546, G replaced by A.
Protein change: p.Met182Ile; replaces methionine 182 with isoleucine.
Molecular consequence: missense variant.
Genome position (GRCh38, 1-based): chr1:114,708,559, C>T on the plus strand (G>A on the coding strand, the complement: NRAS is on the minus strand). VCF-style: chr1-114708559-C-T. GRCh37 (hg19) VCF-style: chr1-115251180-C-T.
Other names: short protein forms M182I.
Identifiers: ClinVar variation 3633262 (VCV003633262.2).
Genomic context (GRCh38, chr1:114,708,559, plus strand): 5'-TTTGTAATTATGCCAAGAAACCATATGCTCACCTTGTTACATCACCACACATGGCAATCC[C>T]ATACAACCCTGAGTCCCATCATCACTGCTGTTGAGTTTTTTCATTCGGTACTGGCGTATT-3'
Protein context (NP_002515.1, residues 172-189): NSSDDGTQGC[Met182Ile]GLPCVVM

ClinVar aggregate classification (germline): Uncertain significance (1 of 4 stars; one submission).

Conditions:
RASopathy. Also called: Noonan spectrum disorder; rasopathies. Identifiers: Orphanet 536391, MedGen C5555857, MONDO:0021060.

Submission:

Labcorp Genetics (formerly Invitae), Labcorp
Classification: Uncertain significance for RASopathy. Last evaluated: 2024-02-03. Review status: criteria provided, single submitter. Criteria: Invitae Variant Classification Sherloc (09022015). Collection method: clinical testing. Allele origin: germline.
Comment: This sequence change replaces methionine, which is neutral and non-polar, with isoleucine, which is neutral and non-polar, at codon 182 of the NRAS protein (p.Met182Ile). This variant is not present in population databases (gnomAD no frequency). This variant has not been reported in the literature in individuals affected with NRAS-related conditions. Advanced modeling of protein sequence and biophysical properties (such as structural, functional, and spatial information, amino acid conservation, physicochemical variation, residue mobility, and thermodynamic stability) performed at Invitae indicates that this missense variant is not expected to disrupt NRAS protein function with a negative predictive value of 95%. In summary, the available evidence is currently insufficient to determine the role of this variant in disease. Therefore, it has been classified as a Variant of Uncertain Significance.